The following is an entry in ClinVar:

ClinVar aggregate classification (germline): Uncertain significance. Review status: criteria provided, multiple submitters, no conflicts (2 of 4 stars). 5 submissions from 5 submitters: Uncertain significance (5). Last evaluated 2025-10-30.

Conditions:
VPS33B-related disorder. Also called: VPS33B-related condition.
Arthrogryposis, renal dysfunction, and cholestasis 1 (ARCS1). Identifiers: Orphanet 2697, MedGen C1859722, MONDO:0008822, OMIM 208085.
Keratoderma-ichthyosis-deafness syndrome, autosomal recessive (KDIDAR). Identifiers: MedGen C5774200, MONDO:0859278, OMIM 620009.
Cholestasis, progressive familial intrahepatic, 12 (PFIC12). Also called: CHOLESTASIS, ISOLATED LOW-GGT. Identifiers: MedGen C5774311, MONDO:0031040, OMIM 620010.

Allele frequency attached by ClinVar (database versions not stated): gnomAD 0.00020 and 0.00021; TOPMed 0.00021.

Submissions (5):

PreventionGenetics, part of Exact Sciences
Classification: Uncertain significance for VPS33B-related condition. Last evaluated: 2025-10-30. Review status: criteria provided, single submitter. Criteria: ACMG Guidelines, 2015. Collection method: clinical testing. Allele origin: germline.
Comment: The VPS33B c.136A>T variant is predicted to result in the amino acid substitution p.Met46Leu. To our knowledge, this variant has not been reported in the literature. This variant is reported in 0.029% of alleles in individuals of European (Non-Finnish) descent in gnomAD. At this time, the clinical significance of this variant is uncertain due to the absence of conclusive functional and genetic evidence.

Fulgent Genetics
Classification: Uncertain significance for Arthrogryposis, renal dysfunction, and cholestasis 1; Keratoderma-ichthyosis-deafness syndrome, autosomal recessive; Cholestasis, progressive familial intrahepatic, 12. Last evaluated: 2024-03-29. Review status: criteria provided, single submitter. Criteria: ACMG Guidelines, 2015. Collection method: clinical testing. Allele origin: germline.

Labcorp Genetics (formerly Invitae), Labcorp
Classification: Uncertain significance. Last evaluated: 2022-10-13. Review status: criteria provided, single submitter. Criteria: Invitae Variant Classification Sherloc (09022015). Collection method: clinical testing. Allele origin: germline.
Comment: This sequence change replaces methionine, which is neutral and non-polar, with leucine, which is neutral and non-polar, at codon 46 of the VPS33B protein (p.Met46Leu). This variant is present in population databases (rs202141764, gnomAD 0.03%). This variant has not been reported in the literature in individuals affected with VPS33B-related conditions. ClinVar contains an entry for this variant (Variation ID: 195342). Advanced modeling of protein sequence and biophysical properties (such as structural, functional, and spatial information, amino acid conservation, physicochemical variation, residue mobility, and thermodynamic stability) performed at Invitae indicates that this missense variant is not expected to disrupt VPS33B protein function. In summary, the available evidence is currently insufficient to determine the role of this variant in disease. Therefore, it has been classified as a Variant of Uncertain Significance.

Illumina Laboratory Services, Illumina
Classification: Uncertain significance for Arthrogryposis, renal dysfunction, and cholestasis 1. Last evaluated: 2018-01-12. Review status: criteria provided, single submitter. Criteria: ICSL Variant Classification Criteria 13 December 2019. Collection method: clinical testing. Allele origin: germline.

Eurofins Ntd Llc (ga)
Classification: Uncertain significance. Last evaluated: 2015-01-21. Review status: criteria provided, single submitter. Criteria: EGL Classification Definitions 2015. Collection method: clinical testing. Allele origin: germline. Observed: 1 variant allele, 1 heterozygote.

NM_018668.5(VPS33B):c.136A>T (p.Met46Leu)

Gene: VPS33B (VPS33B late endosome and lysosome associated; minus strand). Cytogenetic location: 15q26.1.
Variant type: single nucleotide variant.
Coding change: c.136A>T on transcript NM_018668.5 (MANE Select); coding-DNA position 136, A replaced by T.
Protein change: p.Met46Leu; replaces methionine 46 with leucine.
Molecular consequence: missense variant. On other transcripts: 5 prime UTR variant (1), intron variant (1).
Genome position (GRCh38, 1-based): chr15:91,017,846, T>A on the plus strand (A>T on the coding strand, the complement: VPS33B is on the minus strand). VCF-style: chr15-91017846-T-A. GRCh37 (hg19) VCF-style: chr15-91561076-T-A.
Other names: c.-76A>T (NM_001289149.1); c.97-822A>T (NM_001289148.1); c.136A>T (NM_018668.4); short protein forms M46L.
Identifiers: ClinVar variation 195342 (VCV000195342.12), dbSNP rs202141764, ClinGen allele CA241745.